The following is an entry in ClinVar:

NM_013275.6(ANKRD11):c.2293A>G (p.Arg765Gly)

Gene: ANKRD11 (ankyrin repeat domain containing 11; minus strand). Cytogenetic location: 16q24.3.
Variant type: single nucleotide variant.
Coding change: c.2293A>G on transcript NM_013275.6 (MANE Select); coding-DNA position 2293, A replaced by G.
Protein change: p.Arg765Gly; replaces arginine 765 with glycine.
Molecular consequence: missense variant.
Genome position (GRCh38, 1-based): chr16:89,284,249, T>C on the plus strand (A>G on the coding strand, the complement: ANKRD11 is on the minus strand). VCF-style: chr16-89284249-T-C. GRCh37 (hg19) VCF-style: chr16-89350657-T-C.
Other names: c.2293A>G, p.Arg765Gly (NM_001256182.2, NM_001256183.2); short protein forms R765G.
Identifiers: ClinVar variation 1334382 (VCV001334382.3), dbSNP rs2034488742, ClinGen allele CA397162749.

ClinVar aggregate classification (germline): Uncertain significance (1 of 4 stars; one submission).

Allele frequency attached by ClinVar (database versions not stated): gnomAD exomes below 0.00001; gnomAD 0.00001.
gnomAD v4.1: 3 of 1,613,560 alleles (0.00019%); highest among the groups gnomAD compares: Non-Finnish European, 0.00017%; no homozygotes.

Submission:

GeneDx
Classification: Uncertain significance. Last evaluated: 2022-08-09. Review status: criteria provided, single submitter. Criteria: GeneDx Variant Classification Process June 2021. Collection method: clinical testing. Allele origin: germline. Affected: yes.
Comment: Not observed at significant frequency in large population cohorts (gnomAD); In silico analysis supports that this missense variant has a deleterious effect on protein structure/function; Has not been previously published as pathogenic or benign to our knowledge